The following is an entry in ClinVar:

ClinVar aggregate classification (germline): Uncertain significance (1 of 4 stars; one submission).

gnomAD v4.1: 9 of 1,613,866 alleles (0.00056%); highest among the groups gnomAD compares: East Asian, 0.0022%; no homozygotes.

Submission:

Women's Health and Genetics/Laboratory Corporation of America, LabCorp
Classification: Uncertain significance. Last evaluated: 2025-09-11. Review status: criteria provided, single submitter. Criteria: LabCorp Variant Classification Summary - May 2015. Collection method: clinical testing. Allele origin: germline.
Comment: Variant summary: APP c.1031C>T (p.Ala344Val) results in a non-conservative amino acid change in the encoded protein sequence. Algorithms developed to predict the effect of missense changes on protein structure and function are either unavailable or do not agree on the potential impact of this missense change. Consensus agreement among computation tools predict no significant impact on normal splicing. However, these predictions have yet to be confirmed by functional studies. The variant was absent in 250842 control chromosomes. The available data on variant occurrences in the general population are insufficient to allow any conclusion about variant significance. c.1031C>T has been observed in both affected and unaffected individuals in a familial dementia study (Lee_2014). This report does not provide unequivocal conclusions about association of the variant with Cerebral Amyloid Angiopathy, APP-Related. To our knowledge, no experimental evidence demonstrating an impact on protein function has been reported. The following publication has been ascertained in the context of this evaluation (PMID: 25333068). No submitters have cited clinical-significance assessments for this variant to ClinVar. Based on the evidence outlined above, the variant was classified as uncertain significance.

Literature cited by the submitters: PubMed 25333068.

NM_000484.4(APP):c.1031C>T (p.Ala344Val)

Gene: APP (amyloid beta precursor protein; minus strand). Cytogenetic location: 21q21.3.
Variant type: single nucleotide variant.
Coding change: c.1031C>T on transcript NM_000484.4 (MANE Select); coding-DNA position 1031, C replaced by T.
Protein change: p.Ala344Val; replaces alanine 344 with valine.
Molecular consequence: missense variant. On other transcripts: intron variant (5).
Genome position (GRCh38, 1-based): chr21:26,000,017, G>A on the plus strand (C>T on the coding strand, the complement: APP is on the minus strand). VCF-style: chr21-26000017-G-A. GRCh37 (hg19) VCF-style: chr21-27372332-G-A.
Other names: c.1016C>T, p.Ala339Val (NM_001136016.3); c.863C>T, p.Ala288Val (NM_001136130.3); c.1031C>T, p.Ala344Val (NM_001204301.2, NM_001204302.2, NM_201413.3); c.761-17540C>T (NM_001136131.3); c.698-17540C>T (NM_001136129.3); c.866-17540C>T (NM_001204303.2, NM_201414.3); c.866-2601C>T (NM_001385253.1); short protein forms A288V, A339V, A344V.
Identifiers: ClinVar variation 4535585 (VCV004535585.1).
Genomic context (GRCh38, chr21:26,000,017, plus strand): 5'-GCAGAGTCAGTGGCGAGAGAGACGAAAGGTGGCCAGGCTCGAAGAAGGGTCCACTTACTG[G>A]CGCTGCCACACACGGCCATGCAGTACTCTTCTGTGTCAAAGTTGTTCCGGTTGCCGCCAC-3'
Protein context (NP_000475.1, residues 334-354): EEYCMAVCGS[Ala344Val]MSQSLLKTTQ